The following is an entry in ClinVar:

NM_001723.7(DST):c.5531A>T (p.Asn1844Ile)

Gene: DST (dystonin; minus strand). Cytogenetic location: 6p12.1.
Variant type: single nucleotide variant.
Coding change: c.5531A>T on transcript NM_001723.7 (MANE Plus Clinical); coding-DNA position 5531, A replaced by T.
Protein change: p.Asn1844Ile; replaces asparagine 1844 with isoleucine.
Molecular consequence: missense variant. On other transcripts: intron variant (10).
Genome position (GRCh38, 1-based): chr6:56,618,503, T>A on the plus strand (A>T on the coding strand, the complement: DST is on the minus strand). VCF-style: chr6-56618503-T-A. GRCh37 (hg19) VCF-style: chr6-56483301-T-A.
Other names: c.4831-4019A>T (NM_001144769.5); c.4930-4019A>T (NM_001374722.1, NM_001374736.1); c.4957-4019A>T (NM_001374734.1); c.4417-4019A>T (NM_001144770.2); c.4297-4019A>T (NM_001374730.1, NM_001386100.1, NM_183380.4 and 1 more transcripts); c.3319-4019A>T (NM_015548.5); short protein forms N1844I.
Identifiers: ClinVar variation 2154132 (VCV002154132.4), dbSNP rs1269420576, ClinGen allele CA364567160.

ClinVar aggregate classification (germline): Uncertain significance (1 of 4 stars; one submission).

Conditions:
Hereditary sensory and autonomic neuropathy type 6. Also called: HSAN VI; Neuropathy, hereditary sensory and autonomic, type VI. Identifiers: Orphanet 314381, MedGen C3539003, MONDO:0013839, OMIM 614653.
Epidermolysis bullosa simplex 3, localized or generalized intermediate, with BP230 deficiency (EBS3). Also called: Epidermolysis bullosa simplex due to BP230 deficiency; Epidermolysis bullosa simplex, autosomal recessive 2. Identifiers: Orphanet 412181, MedGen C3809470, MONDO:0014180, OMIM 615425.

Allele frequency attached by ClinVar (database versions not stated): gnomAD exomes below 0.00001; TOPMed 0.00001.
gnomAD v4.1: 2 of 1,614,178 alleles (0.00012%); highest among the groups gnomAD compares: African/African-American, 0.0027%; no homozygotes.

Submission:

Labcorp Genetics (formerly Invitae), Labcorp
Classification: Uncertain significance for Epidermolysis bullosa simplex 3, localized or generalized intermediate, with BP230 deficiency; Hereditary sensory and autonomic neuropathy type 6. Last evaluated: 2021-12-24. Review status: criteria provided, single submitter. Criteria: Invitae Variant Classification Sherloc (09022015). Collection method: clinical testing. Allele origin: germline.
Comment: In summary, the available evidence is currently insufficient to determine the role of this variant in disease. Therefore, it has been classified as a Variant of Uncertain Significance. Algorithms developed to predict the effect of missense changes on protein structure and function are either unavailable or do not agree on the potential impact of this missense change (SIFT: "Deleterious"; PolyPhen-2: "Benign"; Align-GVGD: "Class C15"). This variant has not been reported in the literature in individuals affected with DST-related conditions. This variant is present in population databases (no rsID available, gnomAD 0.007%). This sequence change replaces asparagine, which is neutral and polar, with isoleucine, which is neutral and non-polar, at codon 1844 of the DST protein (p.Asn1844Ile).